The following is an entry in ClinVar:

ClinVar aggregate classification (germline): Likely benign. Review status: criteria provided, single submitter (1 of 4 stars). 2 submissions from 2 submitters: Likely benign (1). 1 of the submissions does not count toward it. Last evaluated 2025-09-19.

Conditions:
WDR11-related disorder. Also called: WDR11-related condition.

Allele frequency attached by ClinVar (database versions not stated): ExAC 0.00018; 1000 Genomes Project 0.00040; 1000 Genomes Project 30x 0.00047; TOPMed 0.00049; gnomAD 0.00052; ESP Exome Variant Server 0.00069.
gnomAD v4.1: 182 of 1,614,162 alleles (0.011%); highest among the groups gnomAD compares: African/African-American, 0.21%; no homozygotes.

Submissions (2):

Labcorp Genetics (formerly Invitae), Labcorp
Classification: Likely benign. Last evaluated: 2025-09-19. Review status: criteria provided, single submitter. Criteria: Invitae Variant Classification Sherloc (09022015). Collection method: clinical testing. Allele origin: germline.

PreventionGenetics, part of Exact Sciences
Classification: Likely benign for WDR11-related condition. Last evaluated: 2022-06-09. Review status: no assertion criteria provided. Collection method: clinical testing. Allele origin: germline. Not counted in ClinVar's aggregate classification.
Comment: This variant is classified as likely benign based on ACMG/AMP sequence variant interpretation guidelines (Richards et al. 2015 PMID: 25741868, with internal and published modifications).

NM_018117.12(WDR11):c.2867G>A (p.Arg956Gln)

Gene: WDR11 (WD repeat domain 11; plus strand). Cytogenetic location: 10q26.12.
Variant type: single nucleotide variant.
Coding change: c.2867G>A on transcript NM_018117.12 (MANE Select); coding-DNA position 2867, G replaced by A.
Protein change: p.Arg956Gln; replaces arginine 956 with glutamine.
Molecular consequence: missense variant.
Genome position (GRCh38, 1-based): chr10:120,903,168, G>A. VCF-style: chr10-120903168-G-A. GRCh37 (hg19) VCF-style: chr10-122662680-G-A.
Other names: c.2867G>A (NM_018117.11); short protein forms R956Q.
Identifiers: ClinVar variation 2851895 (VCV002851895.5), dbSNP rs140254897, ClinGen allele CA5720132.